The following is an entry in ClinVar:

NM_206943.4(LTBP1):c.4256G>T (p.Gly1419Val)

Gene: LTBP1 (latent transforming growth factor beta binding protein 1; plus strand). Cytogenetic location: 2p22.3.
Variant type: single nucleotide variant.
Coding change: c.4256G>T on transcript NM_206943.4 (MANE Select); coding-DNA position 4256, G replaced by T.
Protein change: p.Gly1419Val; replaces glycine 1419 with valine.
Molecular consequence: missense variant.
Genome position (GRCh38, 1-based): chr2:33,361,501, G>T. VCF-style: chr2-33361501-G-T. GRCh37 (hg19) VCF-style: chr2-33586568-G-T.
Other names: c.2993G>T, p.Gly998Val (NM_001166266.2, NM_001394920.1); c.4097G>T, p.Gly1366Val (NM_001394905.1); c.3275G>T, p.Gly1092Val (NM_001394906.1); c.3191G>T, p.Gly1064Val (NM_001394907.1); c.3158G>T, p.Gly1053Val (NM_001394908.1); c.3152G>T, p.Gly1051Val (NM_001394909.1, NM_001166264.2); c.3149G>T, p.Gly1050Val (NM_001394910.1, NM_001394911.1); c.3134G>T, p.Gly1045Val (NM_001394912.1); and 13 more; short protein forms G1023V, G1050V, G1419V, G908V, G950V, G958V, G1009V, G1012V.
Identifiers: ClinVar variation 2510188 (VCV002510188.9), dbSNP rs61751743, ClinGen allele CA1608077.

ClinVar aggregate classification (germline): Uncertain significance. Review status: criteria provided, multiple submitters, no conflicts (2 of 4 stars). 2 submissions from 2 submitters: Uncertain significance (2). Last evaluated 2026-01-01.

Allele frequency attached by ClinVar (database versions not stated): ESP Exome Variant Server 0.00008; ExAC 0.00009; gnomAD 0.00014.
gnomAD v4.1: 239 of 1,613,024 alleles (0.015%); highest among the groups gnomAD compares: Non-Finnish European, 0.02%; no homozygotes.

Submissions (2):

CeGaT Center for Human Genetics Tuebingen
Classification: Uncertain significance. Last evaluated: 2026-01-01. Review status: criteria provided, single submitter. Criteria: CeGaT Center For Human Genetics Tuebingen Variant Classification Criteria Version 2. Collection method: clinical testing. Allele origin: germline. Affected: yes. Observed: 2 variant alleles.
Comment: LTBP1: PM2

Ambry Genetics
Classification: Uncertain significance. Last evaluated: 2025-08-05. Review status: criteria provided, single submitter. Criteria: Ambry Variant Classification Scheme 2023. Collection method: clinical testing. Allele origin: germline.